The following is an entry in ClinVar:

NM_001134407.3(GRIN2A):c.2553C>T (p.Gly851=)

Gene: GRIN2A (glutamate ionotropic receptor NMDA type subunit 2A; minus strand). Cytogenetic location: 16p13.2.
Variant type: single nucleotide variant.
Coding change: c.2553C>T on transcript NM_001134407.3 (MANE Select); coding-DNA position 2553, C replaced by T.
Protein change: p.Gly851=; no amino-acid change (glycine 851 retained).
Molecular consequence: synonymous variant.
Genome position (GRCh38, 1-based): chr16:9,768,893, G>A on the plus strand (C>T on the coding strand, the complement: GRIN2A is on the minus strand). VCF-style: chr16-9768893-G-A. GRCh37 (hg19) VCF-style: chr16-9862750-G-A.
Other names: c.2553C>T, p.Gly851= (NM_000833.5, NM_001134408.2).
Identifiers: ClinVar variation 3365126 (VCV003365126.1).

ClinVar aggregate classification (germline): Uncertain significance (1 of 4 stars; one submission).

gnomAD v4.1: 2 of 1,614,076 alleles (0.00012%); highest among the groups gnomAD compares: Admixed American, 0.0017%; no homozygotes.

Submission:

GeneDx
Classification: Uncertain significance. Last evaluated: 2023-12-03. Review status: criteria provided, single submitter. Criteria: GeneDx Variant Classification Process June 2021. Collection method: clinical testing. Allele origin: germline. Affected: yes.
Comment: Not observed at significant frequency in large population cohorts (gnomAD); In silico analysis supports a deleterious effect on splicing; Has not been previously published as pathogenic or benign to our knowledge